The following is an entry in ClinVar:

NM_000553.6(WRN):c.3476A>G (p.Lys1159Arg)

Gene: WRN (WRN RecQ like helicase; plus strand). Cytogenetic location: 8p12.
Variant type: single nucleotide variant.
Coding change: c.3476A>G on transcript NM_000553.6 (MANE Select); coding-DNA position 3476, A replaced by G.
Protein change: p.Lys1159Arg; replaces lysine 1159 with arginine.
Molecular consequence: missense variant.
Genome position (GRCh38, 1-based): chr8:31,147,380, A>G. VCF-style: chr8-31147380-A-G. GRCh37 (hg19) VCF-style: chr8-31004896-A-G.
Other names: short protein forms K1159R.
Identifiers: ClinVar variation 1718810 (VCV001718810.5), dbSNP rs2536042882, ClinGen allele CA370925678.

ClinVar aggregate classification (germline): Uncertain significance (1 of 4 stars; one submission).

Conditions:
Werner syndrome (WRN). Identifiers: Orphanet 902, MedGen C0043119, MONDO:0010196, OMIM 277700.

Submission:

Labcorp Genetics (formerly Invitae), Labcorp
Classification: Uncertain significance for Werner syndrome. Last evaluated: 2022-07-19. Review status: criteria provided, single submitter. Criteria: Invitae Variant Classification Sherloc (09022015). Collection method: clinical testing. Allele origin: germline.
Comment: In summary, the available evidence is currently insufficient to determine the role of this variant in disease. Therefore, it has been classified as a Variant of Uncertain Significance. Algorithms developed to predict the effect of missense changes on protein structure and function output the following: SIFT: "Not Available"; PolyPhen-2: "Benign"; Align-GVGD: "Not Available". The arginine amino acid residue is found in multiple mammalian species, which suggests that this missense change does not adversely affect protein function. This variant has not been reported in the literature in individuals affected with WRN-related conditions. This variant is not present in population databases (gnomAD no frequency). This sequence change replaces lysine, which is basic and polar, with arginine, which is basic and polar, at codon 1159 of the WRN protein (p.Lys1159Arg).